The following is an entry in ClinVar:

NM_033109.5(PNPT1):c.310C>T (p.Gln104Ter)

Gene: PNPT1 (polyribonucleotide nucleotidyltransferase 1; minus strand). Cytogenetic location: 2p16.1.
Variant type: single nucleotide variant.
Coding change: c.310C>T on transcript NM_033109.5 (MANE Select); coding-DNA position 310, C replaced by T.
Protein change: p.Gln104Ter; replaces glutamine 104 with a stop codon.
Molecular consequence: nonsense.
Genome position (GRCh38, 1-based): chr2:55,685,036, G>A on the plus strand (C>T on the coding strand, the complement: PNPT1 is on the minus strand). VCF-style: chr2-55685036-G-A. GRCh37 (hg19) VCF-style: chr2-55912171-G-A.
Other names: short protein forms Q104*.
Identifiers: ClinVar variation 4813546 (VCV004813546.1).

ClinVar aggregate classification (germline): Pathogenic (1 of 4 stars; one submission).

Conditions:
Combined oxidative phosphorylation defect type 13. Also called: Combined oxidative phosphorylation deficiency 13. Identifiers: Orphanet 319514, MedGen C4706283, MONDO:0013977, OMIM 614932.

Submission:

Mendelics
Classification: Pathogenic for Combined oxidative phosphorylation defect type 13. Last evaluated: 2026-03-05. Review status: criteria provided, single submitter. Criteria: ACMG Guidelines, 2015. Collection method: clinical testing. Allele origin: unknown.
Comment: Likely pathogenic/Pathogenic according to ACMG criteria.